The following is an entry in ClinVar:

ClinVar aggregate classification (germline): Uncertain significance (1 of 4 stars; one submission).

Conditions:
MHC class I deficiency. Identifiers: Orphanet 34592, MedGen C6024714, MONDO:0011476.

Submission:

Labcorp Genetics (formerly Invitae), Labcorp
Classification: Uncertain significance for MHC class I deficiency 1. Last evaluated: 2021-08-20. Review status: criteria provided, single submitter. Criteria: Invitae Variant Classification Sherloc (09022015). Collection method: clinical testing. Allele origin: germline.
Comment: This sequence change replaces valine with methionine at codon 423 of the TAP2 protein (p.Val423Met). The valine residue is moderately conserved and there is a small physicochemical difference between valine and methionine. This variant is not present in population databases (ExAC no frequency). This variant has not been reported in the literature in individuals with TAP2-related conditions. Algorithms developed to predict the effect of missense changes on protein structure and function output the following: SIFT: "Tolerated"; PolyPhen-2: "Not Available"; Align-GVGD: "Class C0". The methionine amino acid residue is found in multiple mammalian species, suggesting that this missense change does not adversely affect protein function. These predictions have not been confirmed by published functional studies and their clinical significance is uncertain. In summary, the available evidence is currently insufficient to determine the role of this variant in disease. Therefore, it has been classified as a Variant of Uncertain Significance.

NM_001290043.2(TAP2):c.1267G>A (p.Val423Met)

Gene: TAP2 (transporter 2, ATP binding cassette subfamily B member; minus strand). Cytogenetic location: 6p21.32.
Variant type: single nucleotide variant.
Coding change: c.1267G>A on transcript NM_001290043.2 (MANE Select); coding-DNA position 1267, G replaced by A.
Protein change: p.Val423Met; replaces valine 423 with methionine.
Molecular consequence: missense variant.
Genome position (GRCh38, 1-based): chr6:32,832,338, C>T on the plus strand (G>A on the coding strand, the complement: TAP2 is on the minus strand). VCF-style: chr6-32832338-C-T. GRCh37 (hg19) VCF-style: chr6-32800115-C-T.
Other names: c.1267G>A, p.Val423Met (NM_000544.3, NM_018833.3); short protein forms V423M.
Identifiers: ClinVar variation 1484086 (VCV001484086.8), dbSNP rs2127358422, ClinGen allele CA363582532.
Genomic context (GRCh38, chr6:32,832,338, plus strand): 5'-GTCCACAAAGAAAAAGAGAGGGAAAAAAGGAGAGCAGGCTTGGCTTCTCGCTCACCTGCA[C>T]ATAGCTCCCCACGCTCTCCTGGTAGATCATAAAGGAAAGCAGGCTGCCCTGGGTGAGCTC-3'
Protein context (NP_001276972.1, residues 413-433): MIYQESVGSY[Val423Met]QTLVYIYGDM